The following is an entry in ClinVar:

ClinVar aggregate classification (germline): Uncertain significance (1 of 4 stars; one submission).

Conditions:
Cardiovascular phenotype. Identifiers: MedGen CN230736.

Submission:

Ambry Genetics
Classification: Uncertain significance for Cardiovascular phenotype. Last evaluated: 2024-06-21. Review status: criteria provided, single submitter. Criteria: Ambry Variant Classification Scheme 2023. Collection method: clinical testing. Allele origin: germline.
Comment: The p.V301L variant (also known as c.901G>C), located in coding exon 7 of the LMF1 gene, results from a G to C substitution at nucleotide position 901. The valine at codon 301 is replaced by leucine, an amino acid with highly similar properties. This amino acid position is conserved. In addition, this alteration is predicted to be tolerated by in silico analysis. Based on the available evidence, the clinical significance of this variant remains unclear.

NM_022773.4(LMF1):c.901G>C (p.Val301Leu)

Gene: LMF1 (lipase maturation factor 1; minus strand). Cytogenetic location: 16p13.3.
Variant type: single nucleotide variant.
Coding change: c.901G>C on transcript NM_022773.4 (MANE Select); coding-DNA position 901, G replaced by C.
Protein change: p.Val301Leu; replaces valine 301 with leucine.
Molecular consequence: missense variant. On other transcripts: non-coding transcript variant (1).
Genome position (GRCh38, 1-based): chr16:871,338, C>G on the plus strand (G>C on the coding strand, the complement: LMF1 is on the minus strand). VCF-style: chr16-871338-C-G. GRCh37 (hg19) VCF-style: chr16-921338-C-G.
Other names: c.250G>C, p.Val84Leu (NM_001352017.2, NM_001352021.2); c.502G>C, p.Val168Leu (NM_001352018.2); c.574G>C, p.Val192Leu (NM_001352019.2); c.901G>C, p.Val301Leu (NM_001352020.1); short protein forms V168L, V301L, V192L, V84L.
Identifiers: ClinVar variation 3290934 (VCV003290934.1).